The following is an entry in ClinVar:

ClinVar aggregate classification (germline): Pathogenic/Likely pathogenic. Review status: criteria provided, multiple submitters, no conflicts (2 of 4 stars). 2 submissions from 2 submitters: Pathogenic (1); Likely pathogenic (1). Last evaluated 2024-10-04.

Conditions:
Achromatopsia 3 (ACHM3). Also called: ACHROMATOPSIA WITH MYOPIA; PINGELAPESE BLINDNESS; TOTAL COLORBLINDNESS WITH MYOPIA; ROD MONOCHROMACY 1; ROD MONOCHROMATISM 1. Identifiers: Orphanet 49382, MedGen C1849792, MONDO:0009875, OMIM 262300.
Achromatopsia. Also called: Rod monochromatism. Identifiers: Orphanet 49382, MedGen C0152200, MONDO:0018852, HP:0011516.

gnomAD v4.1: 1 of 1,612,892 alleles (0.000062%); highest among the groups gnomAD compares: Non-Finnish European, 0.000085%; no homozygotes.

Submissions (2):

Dubai Health Genomic Medicine Center, Dubai Health
Classification: Likely pathogenic for Achromatopsia 3. Last evaluated: 2024-10-04. Review status: criteria provided, single submitter. Criteria: ACMG Guidelines, 2015. Collection method: research. Allele origin: germline. Affected: yes.
Comment: PVS1,PM2

Natera, Inc.
Classification: Pathogenic for Achromatopsia. Last evaluated: 2024-07-29. Review status: criteria provided, single submitter. Criteria: Natera Variant Classification Schema (03/2026). Collection method: clinical testing. Allele origin: germline.
Comment: The c.1318C>T variant in CNGB3 is a nonsense variant predicted to introduce a stop codon at amino acid 440. This variant is expected to result in nonsense mediated decay, truncation, or a dysfunctional protein product. This variant is rare in the general population with a frequency below the threshold expected for the associated phenotype(s). This variant has been observed in one or more individuals affected with the associated recessive disease, as either homozygous or compound heterozygous with a second variant (PMID: 31725702). Given the available evidence, this variant is classified as Pathogenic.

Literature cited by the submitters: PubMed 31725702 (cited by Natera, Inc.).

NM_019098.5(CNGB3):c.1318C>T (p.Gln440Ter)

Gene: CNGB3 (cyclic nucleotide gated channel subunit beta 3; minus strand). Cytogenetic location: 8q21.3.
Variant type: single nucleotide variant.
Coding change: c.1318C>T on transcript NM_019098.5 (MANE Select); coding-DNA position 1318, C replaced by T.
Protein change: p.Gln440Ter; replaces glutamine 440 with a stop codon.
Molecular consequence: nonsense.
Genome position (GRCh38, 1-based): chr8:86,632,754, G>A on the plus strand (C>T on the coding strand, the complement: CNGB3 is on the minus strand). VCF-style: chr8-86632754-G-A. GRCh37 (hg19) VCF-style: chr8-87644982-G-A.
Other names: short protein forms Q440*.
Identifiers: ClinVar variation 3384125 (VCV003384125.2).